The following is an entry in ClinVar:

NM_003737.4(DCHS1):c.5456C>G (p.Pro1819Arg)

Gene: DCHS1 (dachsous cadherin-related 1; minus strand). Cytogenetic location: 11p15.4.
Variant type: single nucleotide variant.
Coding change: c.5456C>G on transcript NM_003737.4 (MANE Select); coding-DNA position 5456, C replaced by G.
Protein change: p.Pro1819Arg; replaces proline 1819 with arginine.
Molecular consequence: missense variant.
Genome position (GRCh38, 1-based): chr11:6,627,583, G>C on the plus strand (C>G on the coding strand, the complement: DCHS1 is on the minus strand). VCF-style: chr11-6627583-G-C. GRCh37 (hg19) VCF-style: chr11-6648814-G-C.
Other names: short protein forms P1819R.
Identifiers: ClinVar variation 1937728 (VCV001937728.5), dbSNP rs1424103676, ClinGen allele CA379394907.
Genomic context (GRCh38, chr11:6,627,583, plus strand): 5'-AGCGTGGCACTGAGAGCTGGCTGGCCTCCATCCCGGGCCTCTATCCTCAGCTGGAAAGCT[G>C]GCTCCACTTCTCTGTCTAGTGGCCGCATGGTGCCAAACTCTCCAGAAGCAAGGTCTAGGA-3'
Protein context (NP_003728.1, residues 1809-1829): TMRPLDREVE[Pro1819Arg]AFQLRIEARD

ClinVar aggregate classification (germline): Uncertain significance (1 of 4 stars; one submission).

Allele frequency attached by ClinVar (database versions not stated): gnomAD exomes below 0.00001.
gnomAD v4.1: 2 of 1,613,044 alleles (0.00012%); highest among the groups gnomAD compares: Non-Finnish European, 0.00017%; no homozygotes.

Submission:

Labcorp Genetics (formerly Invitae), Labcorp
Classification: Uncertain significance. Last evaluated: 2022-08-20. Review status: criteria provided, single submitter. Criteria: Invitae Variant Classification Sherloc (09022015). Collection method: clinical testing. Allele origin: germline.
Comment: In summary, the available evidence is currently insufficient to determine the role of this variant in disease. Therefore, it has been classified as a Variant of Uncertain Significance. Advanced modeling of protein sequence and biophysical properties (such as structural, functional, and spatial information, amino acid conservation, physicochemical variation, residue mobility, and thermodynamic stability) performed at Invitae indicates that this missense variant is not expected to disrupt DCHS1 protein function. This variant has not been reported in the literature in individuals affected with DCHS1-related conditions. This variant is present in population databases (no rsID available, gnomAD 0.0009%). This sequence change replaces proline, which is neutral and non-polar, with arginine, which is basic and polar, at codon 1819 of the DCHS1 protein (p.Pro1819Arg).